The following is an entry in ClinVar:

NM_001122769.3(LCA5):c.1418A>C (p.Glu473Ala)

Gene: LCA5 (lebercilin LCA5; minus strand). Cytogenetic location: 6q14.1.
Variant type: single nucleotide variant.
Coding change: c.1418A>C on transcript NM_001122769.3 (MANE Select); coding-DNA position 1418, A replaced by C.
Protein change: p.Glu473Ala; replaces glutamic acid 473 with alanine.
Molecular consequence: missense variant.
Genome position (GRCh38, 1-based): chr6:79,487,680, T>G on the plus strand (A>C on the coding strand, the complement: LCA5 is on the minus strand). VCF-style: chr6-79487680-T-G. GRCh37 (hg19) VCF-style: chr6-80197397-T-G.
Other names: c.1418A>C, p.Glu473Ala (NM_181714.4); short protein forms E473A.
Identifiers: ClinVar variation 1380904 (VCV001380904.7), dbSNP rs550772415, ClinGen allele CA3900832.

ClinVar aggregate classification (germline): Uncertain significance. Review status: criteria provided, multiple submitters, no conflicts (2 of 4 stars). 2 submissions from 2 submitters: Uncertain significance (2). Last evaluated 2024-11-20.

Allele frequency attached by ClinVar (database versions not stated): gnomAD exomes below 0.00001 and 0.00001; ExAC 0.00001; gnomAD 0.00001; 1000 Genomes Project 30x 0.00016; 1000 Genomes Project 0.00020.
gnomAD v4.1: 4 of 1,613,922 alleles (0.00025%); highest among the groups gnomAD compares: Admixed American, 0.0067%; no homozygotes.

Submissions (2):

Women's Health and Genetics/Laboratory Corporation of America, LabCorp
Classification: Uncertain significance. Last evaluated: 2024-11-20. Review status: criteria provided, single submitter. Criteria: LabCorp Variant Classification Summary - May 2015. Collection method: clinical testing. Allele origin: germline.
Comment: Variant summary: LCA5 c.1418A>C (p.Glu473Ala) results in a non-conservative amino acid change in the encoded protein sequence. Four of five in-silico tools predict a damaging effect of the variant on protein function. The variant allele was found at a frequency of 1.2e-05 in 251054 control chromosomes. The available data on variant occurrences in the general population are insufficient to allow any conclusion about variant significance. c.1418A>C has been reported in the literature in heterozygous state (i.e. without a second variant identified) in one individual affected with Leber Congenital Amaurosis (Corton_2014). These report(s) do not provide unequivocal conclusions about association of the variant with Leber Congenital Amaurosis. To our knowledge, no experimental evidence demonstrating an impact on protein function has been reported. The following publication has been ascertained in the context of this evaluation (PMID: 24144451). ClinVar contains an entry for this variant (Variation ID: 1380904). Based on the evidence outlined above, the variant was classified as uncertain significance.

Labcorp Genetics (formerly Invitae), Labcorp
Classification: Uncertain significance. Last evaluated: 2022-10-04. Review status: criteria provided, single submitter. Criteria: Invitae Variant Classification Sherloc (09022015). Collection method: clinical testing. Allele origin: germline.
Comment: This sequence change replaces glutamic acid, which is acidic and polar, with alanine, which is neutral and non-polar, at codon 473 of the LCA5 protein (p.Glu473Ala). This variant is present in population databases (rs550772415, gnomAD 0.009%). This missense change has been observed in individual(s) with Leber congenital amaurosis (PMID: 24144451). ClinVar contains an entry for this variant (Variation ID: 1380904). Advanced modeling of protein sequence and biophysical properties (such as structural, functional, and spatial information, amino acid conservation, physicochemical variation, residue mobility, and thermodynamic stability) performed at Invitae indicates that this missense variant is expected to disrupt LCA5 protein function. In summary, the available evidence is currently insufficient to determine the role of this variant in disease. Therefore, it has been classified as a Variant of Uncertain Significance.

Literature cited by the submitters: PubMed 24144451 (cited by Women's Health and Genetics/Laboratory Corporation of America, LabCorp and Labcorp Genetics (formerly Invitae), Labcorp).